The following is an entry in ClinVar:

NM_020937.4(FANCM):c.5751C>T (p.Ser1917=)

Gene: FANCM (FA complementation group M; plus strand). Cytogenetic location: 14q21.2.
Variant type: single nucleotide variant.
Coding change: c.5751C>T on transcript NM_020937.4 (MANE Select); coding-DNA position 5751, C replaced by T.
Protein change: p.Ser1917=; no amino-acid change (serine 1917 retained).
Molecular consequence: synonymous variant.
Genome position (GRCh38, 1-based): chr14:45,198,678, C>T. VCF-style: chr14-45198678-C-T. GRCh37 (hg19) VCF-style: chr14-45667881-C-T.
Other names: c.5673C>T, p.Ser1891= (NM_001308133.2).
Identifiers: ClinVar variation 2681933 (VCV002681933.3), dbSNP rs1890203292, ClinGen allele CA486347853.

ClinVar aggregate classification (germline): Conflicting classifications of pathogenicity. Review status: criteria provided, conflicting classifications (1 of 4 stars). 3 submissions from 3 submitters: Uncertain significance (1); Likely benign (2). Last evaluated 2025-05-22.

Conditions:
Inborn genetic diseases. Identifiers: MedGen C0950123, MeSH D030342.
Fanconi anemia (FA). Also called: Fanconi's anemia. Identifiers: Orphanet 84, MedGen C0015625, MeSH D005199, MONDO:0019391.

Allele frequency attached by ClinVar (database versions not stated): gnomAD exomes below 0.00001; TOPMed below 0.00001.
gnomAD v4.1: 3 of 1,613,330 alleles (0.00019%); highest among the groups gnomAD compares: Non-Finnish European, 0.000085%; no homozygotes.

Submissions (3):

Labcorp Genetics (formerly Invitae), Labcorp
Classification: Likely benign for Fanconi anemia. Last evaluated: 2025-05-22. Review status: criteria provided, single submitter. Criteria: Invitae Variant Classification Sherloc (09022015). Collection method: clinical testing. Allele origin: germline.

Ambry Genetics
Classification: Likely benign for Inborn genetic diseases. Last evaluated: 2025-01-06. Review status: criteria provided, single submitter. Criteria: Ambry Variant Classification Scheme 2023. Collection method: clinical testing. Allele origin: germline.

Quest Diagnostics Nichols Institute San Juan Capistrano
Classification: Uncertain significance. Last evaluated: 2023-07-05. Review status: criteria provided, single submitter. Criteria: Quest Diagnostics criteria. Collection method: clinical testing. Allele origin: unknown.
Comment: To the best of our knowledge, this variant has not been reported in the published literature. It also has not been reported in large, multi-ethnic general populations (Genome Aggregation Database). Analysis of this variant using software algorithms for the prediction of the effect of nucleotide changes on splicing yielded predictions that this variant does not affect FANCM mRNA splicing . Based on the available information, we are unable to determine the clinical significance of this variant.